The following is an entry in ClinVar:

ClinVar aggregate classification (germline): Uncertain significance. Review status: criteria provided, multiple submitters, no conflicts (2 of 4 stars). 2 submissions from 2 submitters: Uncertain significance (2). Last evaluated 2024-10-20.

Conditions:
Inborn genetic diseases. Identifiers: MedGen C0950123, MeSH D030342.

Allele frequency attached by ClinVar (database versions not stated): gnomAD 0.00001 and 0.00002; gnomAD exomes 0.00007; ExAC 0.00008; 1000 Genomes Project 30x 0.00016; ESP Exome Variant Server 0.00017; 1000 Genomes Project 0.00020.
gnomAD v4.1: 47 of 1,612,970 alleles (0.0029%); highest among the groups gnomAD compares: Middle Eastern, 0.017%; 1 homozygote.

Submissions (2):

Ambry Genetics
Classification: Uncertain significance for Inborn genetic diseases. Last evaluated: 2024-10-20. Review status: criteria provided, single submitter. Criteria: Ambry Variant Classification Scheme 2023. Collection method: clinical testing. Allele origin: germline.

GeneDx
Classification: Uncertain significance. Last evaluated: 2019-12-10. Review status: criteria provided, single submitter. Criteria: GeneDx Variant Classification Process June 2021. Collection method: clinical testing. Allele origin: germline. Affected: yes.
Comment: In silico analysis, which includes protein predictors and evolutionary conservation, supports that this variant does not alter protein structure/function; Has not been previously published as pathogenic or benign to our knowledge

NM_032229.3(SLITRK6):c.1472C>G (p.Thr491Arg)

Gene: SLITRK6 (SLIT and NTRK like family member 6; minus strand). Cytogenetic location: 13q31.1.
Variant type: single nucleotide variant.
Coding change: c.1472C>G on transcript NM_032229.3 (MANE Select); coding-DNA position 1472, C replaced by G.
Protein change: p.Thr491Arg; replaces threonine 491 with arginine.
Molecular consequence: missense variant.
Genome position (GRCh38, 1-based): chr13:85,795,037, G>C on the plus strand (C>G on the coding strand, the complement: SLITRK6 is on the minus strand). VCF-style: chr13-85795037-G-C. GRCh37 (hg19) VCF-style: chr13-86369172-G-C.
Other names: short protein forms T491R.
Identifiers: ClinVar variation 1310604 (VCV001310604.3), dbSNP rs368750148, ClinGen allele CA7015092.
Genomic context (GRCh38, chr13:85,795,037, plus strand): 5'-TGGGTTAGCAAATCAAGATCATCCAAAATATTACTTACAGGTAGATGGGTAAACTGGTTT[G>C]TTTTAAGATTTACCTTAGTTAGAGGAACCCCTGAAAAAATATGTGGTGGTAAAACTTGGA-3'
Protein context (NP_115605.2, residues 481-501): GVPLTKVNLK[Thr491Arg]NQFTHLPVSN